The following is an entry in ClinVar:

NM_001128922.2(LRRC32):c.960G>A (p.Leu320=)

Genes: LRRC32 (leucine rich repeat containing 32; minus strand), LRRC32-AS1 (LRRC32 antisense RNA 1; plus strand). Cytogenetic location: 11q13.5.
Variant type: single nucleotide variant.
Coding change: c.960G>A on transcript NM_001128922.2 (MANE Select); coding-DNA position 960, G replaced by A.
Protein change: p.Leu320=; no amino-acid change (leucine 320 retained).
Molecular consequence: synonymous variant. On other transcripts: non-coding transcript variant (1), intron variant (1).
Genome position (GRCh38, 1-based): chr11:76,660,633, C>T on the plus strand (G>A on the coding strand, the complement: LRRC32 is on the minus strand). VCF-style: chr11-76660633-C-T. GRCh37 (hg19) VCF-style: chr11-76371677-C-T.
Other names: NC_000011.9:g.76371677C>T; c.85-2599G>A (NM_001370191.1); c.960G>A, p.Leu320= (NM_001370187.1, NM_001370188.1, NM_005512.3); c.894G>A, p.Leu298= (NM_001370189.1); c.630G>A, p.Leu210= (NM_001370190.1).
Identifiers: ClinVar variation 2642170 (VCV002642170.26), dbSNP rs867566, ClinGen allele CA6194711.

ClinVar aggregate classification (germline): Likely benign. Review status: criteria provided, multiple submitters, no conflicts (2 of 4 stars). 2 submissions from 2 submitters: Likely benign (2). Last evaluated 2024-11-25.

Allele frequency attached by ClinVar (database versions not stated): 1000 Genomes Project 30x 0.00016; 1000 Genomes Project 0.00020; gnomAD 0.00092; gnomAD exomes 0.00109; ESP Exome Variant Server 0.00116; TOPMed 0.00123; ExAC 0.00135.
gnomAD v4.1: 1,793 of 1,614,112 alleles (0.11%); highest among the groups gnomAD compares: Middle Eastern, 0.23%; 2 homozygotes.

Submissions (3):

Blueprint Genetics
Classification: Likely benign. Last evaluated: 2024-11-25. Review status: criteria provided, single submitter. Criteria: ACMG Guidelines, 2015. Collection method: clinical testing. Allele origin: germline.

CeGaT Center for Human Genetics Tuebingen
Classification: Likely benign. Last evaluated: 2024-08-01. Review status: criteria provided, single submitter. Criteria: CeGaT Center For Human Genetics Tuebingen Variant Classification Criteria Version 2. Collection method: clinical testing. Allele origin: germline. Affected: yes. Observed: 2 variant alleles.
Comment: LRRC32: BP4, BP7

Dr. Peter K. Rogan Lab, Western University
No classification provided (evidence only). Condition: Hepatocellular carcinoma. Review status: no classification provided. Collection method: in vitro. Allele origin: not applicable. Functional consequence: retained intron. Not counted in ClinVar's aggregate classification.